The following is an entry in ClinVar:

NM_006445.4(PRPF8):c.2093C>T (p.Pro698Leu)

Gene: PRPF8 (pre-mRNA processing factor 8; minus strand). Cytogenetic location: 17p13.3.
Variant type: single nucleotide variant.
Coding change: c.2093C>T on transcript NM_006445.4 (MANE Select); coding-DNA position 2093, C replaced by T.
Protein change: p.Pro698Leu; replaces proline 698 with leucine.
Molecular consequence: missense variant.
Genome position (GRCh38, 1-based): chr17:1,677,064, G>A on the plus strand (C>T on the coding strand, the complement: PRPF8 is on the minus strand). VCF-style: chr17-1677064-G-A. GRCh37 (hg19) VCF-style: chr17-1580358-G-A.
Other names: short protein forms P698L.
Identifiers: ClinVar variation 2096721 (VCV002096721.4), dbSNP rs2543770098, ClinGen allele CA397555176.

ClinVar aggregate classification (germline): Uncertain significance (1 of 4 stars; one submission).

Submission:

Labcorp Genetics (formerly Invitae), Labcorp
Classification: Uncertain significance. Last evaluated: 2022-02-11. Review status: criteria provided, single submitter. Criteria: Invitae Variant Classification Sherloc (09022015). Collection method: clinical testing. Allele origin: germline.
Comment: In summary, the available evidence is currently insufficient to determine the role of this variant in disease. Therefore, it has been classified as a Variant of Uncertain Significance. Algorithms developed to predict the effect of missense changes on protein structure and function are either unavailable or do not agree on the potential impact of this missense change (SIFT: "Deleterious"; PolyPhen-2: "Probably Damaging"; Align-GVGD: "Class C0"). This variant has not been reported in the literature in individuals affected with PRPF8-related conditions. This sequence change replaces proline, which is neutral and non-polar, with leucine, which is neutral and non-polar, at codon 698 of the PRPF8 protein (p.Pro698Leu). This variant is not present in population databases (gnomAD no frequency).